The following is an entry in ClinVar:

NM_014491.4(FOXP2):c.1431G>A (p.Arg477=)

Gene: FOXP2 (forkhead box P2; plus strand). Cytogenetic location: 7q31.1.
Variant type: single nucleotide variant.
Coding change: c.1431G>A on transcript NM_014491.4 (MANE Select); coding-DNA position 1431, G replaced by A.
Protein change: p.Arg477=; no amino-acid change (arginine 477 retained).
Molecular consequence: synonymous variant. On other transcripts: non-coding transcript variant (1).
Genome position (GRCh38, 1-based): chr7:114,658,230, G>A. VCF-style: chr7-114658230-G-A. GRCh37 (hg19) VCF-style: chr7-114298285-G-A.
Other names: c.1428G>A, p.Arg476= (NM_001172766.3); c.1506G>A, p.Arg502= (NM_148898.4); c.1482G>A, p.Arg494= (NM_148900.4).
Identifiers: ClinVar variation 588953 (VCV000588953.9), dbSNP rs148518030, ClinGen allele CA4446102.

ClinVar aggregate classification (germline): Benign/Likely benign. Review status: criteria provided, multiple submitters, no conflicts (2 of 4 stars). 2 submissions from 2 submitters: Benign (1); Likely benign (1). Last evaluated 2018-01-12.

Conditions:
Inborn genetic diseases. Identifiers: MedGen C0950123, MeSH D030342.
Childhood apraxia of speech (SPCH1). Also called: FOXP2-Related Speech and Language Disorder; Speech language disorder; DEVELOPMENTAL VERBAL DYSPRAXIA; SPEECH AND LANGUAGE DISORDER WITH OROFACIAL DYSPRAXIA. Identifiers: Orphanet 209908, MedGen C0750927, MONDO:0011184, OMIM 602081.

Allele frequency attached by ClinVar (database versions not stated): gnomAD exomes 0.00002 and 0.00007; ExAC 0.00012; 1000 Genomes Project 30x 0.00016; 1000 Genomes Project 0.00020; gnomAD 0.00021 and 0.00024; TOPMed 0.00028; ESP Exome Variant Server 0.00038.
gnomAD v4.1: 57 of 1,613,774 alleles (0.0035%); highest among the groups gnomAD compares: African/African-American, 0.073%; no homozygotes.

Submissions (2):

Illumina Laboratory Services, Illumina
Classification: Benign for Childhood apraxia of speech. Last evaluated: 2018-01-12. Review status: criteria provided, single submitter. Criteria: ICSL Variant Classification Criteria 13 December 2019. Collection method: clinical testing. Allele origin: germline.
Comment: This variant was observed in the ICSL laboratory as part of a predisposition screen in an ostensibly healthy population. It had not been previously curated by ICSL or reported in the Human Gene Mutation Database (HGMD: prior to June 1st, 2018), and was therefore a candidate for classification through an automated scoring system. Utilizing variant allele frequency, disease prevalence and penetrance estimates, and inheritance mode, an automated score was calculated to assess if this variant is too frequent to cause the disease. Based on the score and internal cut-off values, a variant classified as benign is not then subjected to further curation. The score for this variant resulted in a classification of benign for this disease.

Ambry Genetics
Classification: Likely benign for Inborn genetic diseases. Last evaluated: 2017-04-14. Review status: criteria provided, single submitter. Criteria: Ambry Variant Classification Scheme 2023. Collection method: clinical testing. Allele origin: germline.